The following is an entry in ClinVar:

NM_007294.4(BRCA1):c.2014A>G (p.Lys672Glu)

Gene: BRCA1 (BRCA1 DNA repair associated; minus strand). Cytogenetic location: 17q21.31.
Variant type: single nucleotide variant.
Coding change: c.2014A>G on transcript NM_007294.4 (MANE Select); coding-DNA position 2014, A replaced by G.
Protein change: p.Lys672Glu; replaces lysine 672 with glutamic acid.
Molecular consequence: missense variant. On other transcripts: intron variant (137).
Genome position (GRCh38, 1-based): chr17:43,093,517, T>C on the plus strand (A>G on the coding strand, the complement: BRCA1 is on the minus strand). VCF-style: chr17-43093517-T-C. GRCh37 (hg19) VCF-style: chr17-41245534-T-C.
Other names: c.1801A>G, p.Lys601Glu (NM_001407571.1, NM_001407853.1, NM_001407894.1 and 9 more transcripts); c.2014A>G, p.Lys672Glu (NM_001407581.1, NM_001407582.1, NM_001407583.1 and 30 more transcripts); c.2011A>G, p.Lys671Glu (NM_001407587.1, NM_001407590.1, NM_001407591.1 and 22 more transcripts); c.2005A>G, p.Lys669Glu (NM_001407646.1, NM_001407647.1); c.1891A>G, p.Lys631Glu (NM_001407648.1, NM_001407664.1, NM_001407665.1 and 19 more transcripts); c.1888A>G, p.Lys630Glu (NM_001407649.1, NM_001407670.1, NM_001407671.1 and 11 more transcripts); c.1936A>G, p.Lys646Glu (NM_001407653.1, NM_001407654.1, NM_001407655.1 and 4 more transcripts); c.1933A>G, p.Lys645Glu (NM_001407659.1, NM_001407660.1, NM_001407661.1 and 1 more transcripts); and 40 more; short protein forms K672E, K625E, K504E, K583E, K604E, K630E, K669E, K544E.
Identifiers: ClinVar variation 186344 (VCV000186344.9), dbSNP rs397508929, ClinGen allele CA001341.

ClinVar aggregate classification (germline): Conflicting classifications of pathogenicity. Review status: criteria provided, conflicting classifications (1 of 4 stars). 3 submissions from 3 submitters: Uncertain significance (2); Likely benign (1). Last evaluated 2025-07-10.

Conditions:
Hereditary cancer-predisposing syndrome. Also called: Neoplastic Syndromes, Hereditary; Tumor predisposition; Hereditary Cancer Syndrome; Hereditary neoplastic syndrome. Identifiers: Orphanet 140162, MedGen C0027672, MeSH D009386, MONDO:0015356.
Hereditary breast ovarian cancer syndrome. Also called: Hereditary breast and ovarian cancer; Hereditary breast and/or ovarian cancer syndrome; BRCA1- and BRCA2-Associated Hereditary Breast and Ovarian Cancer; Hereditary breast and ovarian cancer syndrome (HBOC); Hereditary breast and ovarian cancer syndrome; Breast and ovarian cancer. Identifiers: Orphanet 145, MedGen C0677776, MeSH D061325, MONDO:0003582. Disease mechanism: loss of function.

Allele frequency attached by ClinVar (database versions not stated): gnomAD exomes below 0.00001.
gnomAD v4.1: 1 of 1,614,100 alleles (0.000062%); highest among the groups gnomAD compares: Non-Finnish European, 0.000085%; no homozygotes.

Submissions (3):

Labcorp Genetics (formerly Invitae), Labcorp
Classification: Uncertain significance for Hereditary breast ovarian cancer syndrome. Last evaluated: 2025-07-10. Review status: criteria provided, single submitter. Criteria: Invitae Variant Classification Sherloc (09022015). Collection method: clinical testing. Allele origin: germline.
Comment: This sequence change replaces lysine, which is basic and polar, with glutamic acid, which is acidic and polar, at codon 672 of the BRCA1 protein (p.Lys672Glu). This variant is not present in population databases (gnomAD no frequency). This variant has not been reported in the literature in individuals affected with BRCA1-related conditions. ClinVar contains an entry for this variant (Variation ID: 186344). Invitae Evidence Modeling of protein sequence and biophysical properties (such as structural, functional, and spatial information, amino acid conservation, physicochemical variation, residue mobility, and thermodynamic stability) indicates that this missense variant is not expected to disrupt BRCA1 protein function with a negative predictive value of 80%. In summary, the available evidence is currently insufficient to determine the role of this variant in disease. Therefore, it has been classified as a Variant of Uncertain Significance.

University of Washington Department of Laboratory Medicine, University of Washington
Classification: Likely benign for Hereditary cancer-predisposing syndrome. Last evaluated: 2023-03-23. Review status: criteria provided, single submitter. Criteria: Dines et al. (Genet Med. 2020). Collection method: curation. Allele origin: germline.
Comment: Missense variant in a coldspot region where missense variants are very unlikely to be pathogenic (PMID:31911673).

BRCA1 coldspot (exon 11 using historical exon numbering). Reclassification based on statistical prior probability

Ambry Genetics
Classification: Uncertain significance for Hereditary cancer-predisposing syndrome. Last evaluated: 2014-09-15. Review status: criteria provided, single submitter. Criteria: Ambry Variant Classification Scheme 2023. Collection method: clinical testing. Allele origin: germline.
Comment: The p.K672E variant (also known as c.2014A>G and 2133A>G), located in coding exon 9 of the BRCA1 gene, results from an A to G substitution at nucleotide position 2014. The lysine at codon 672 is replaced by glutamic acid, an amino acid with similar properties. This variant was not reported in population based cohorts in the following databases: Database of Single Nucleotide Polymorphisms (dbSNP), NHLBI Exome Sequencing Project (ESP), and 1000 Genomes Project. In the ESP, this variant was not observed in 6502 samples (13004 alleles) with coverage at this position. To date, this alteration has been detected with an allele frequency of approximately 0.008% (greater than 64000 alleles tested) in our clinical cohort. This amino acid position is not well conserved in available vertebrate species. In addition, this alteration is predicted to be benign and tolerated by PolyPhen and SIFT in silico analyses, respectively. Since supporting evidence is limited at this time, the clinical significance of p.K672E remains unclear.